The following is an entry in ClinVar:

ClinVar aggregate classification (germline): Uncertain significance. Review status: criteria provided, multiple submitters, no conflicts (2 of 4 stars). 2 submissions from 2 submitters: Uncertain significance (2). Last evaluated 2026-04-27.

Conditions:
Hereditary cancer-predisposing syndrome. Also called: Neoplastic Syndromes, Hereditary; Tumor predisposition; Hereditary Cancer Syndrome; Hereditary neoplastic syndrome. Identifiers: Orphanet 140162, MedGen C0027672, MeSH D009386, MONDO:0015356.
Mitochondrial complex II deficiency, nuclear type 1. Also called: SUCCINATE CoQ REDUCTASE DEFICIENCY. Identifiers: Orphanet 3208, MedGen C5700310, MONDO:0100294, OMIM 252011.
Pheochromocytoma/paraganglioma syndrome 5. Also called: Paragangliomas 5; SDHA-Related Hereditary Paraganglioma-Pheochromocytoma Syndrome. Identifiers: Orphanet 29072, MedGen C3279992, MONDO:0013602, OMIM 614165.

gnomAD v4.1: 2 of 1,611,914 alleles (0.00012%); highest among the groups gnomAD compares: Non-Finnish European, 0.00017%; no homozygotes.

Submissions (2):

Ambry Genetics
Classification: Uncertain significance for Hereditary cancer-predisposing syndrome. Last evaluated: 2026-04-27. Review status: criteria provided, single submitter. Criteria: Ambry Variant Classification Scheme 2023. Collection method: clinical testing. Allele origin: germline.
Comment: The c.312+4A>G intronic variant results from an A to G substitution 4 nucleotides after coding exon 3 in the SDHA gene. This nucleotide position is not well conserved in available vertebrate species. In silico splice site analysis predicts that this alteration will not have any significant effect on splicing. Based on the available evidence, the clinical significance of this variant remains unclear.

Labcorp Genetics (formerly Invitae), Labcorp
Classification: Uncertain significance for Pheochromocytoma/paraganglioma syndrome 5; Mitochondrial complex II deficiency, nuclear type 1. Last evaluated: 2025-04-10. Review status: criteria provided, single submitter. Criteria: Invitae Variant Classification Sherloc (09022015). Collection method: clinical testing. Allele origin: germline.
Comment: This sequence change falls in intron 3 of the SDHA gene. It does not directly change the encoded amino acid sequence of the SDHA protein. It affects a nucleotide within the consensus splice site. This variant is present in population databases (rs747036101, gnomAD 0.0009%). This variant has not been reported in the literature in individuals affected with SDHA-related conditions. Variants that disrupt the consensus splice site are a relatively common cause of aberrant splicing (PMID: 17576681, 9536098). Algorithms developed to predict the effect of sequence changes on RNA splicing suggest that this variant is not likely to affect RNA splicing. In summary, the available evidence is currently insufficient to determine the role of this variant in disease. Therefore, it has been classified as a Variant of Uncertain Significance.

Literature cited by the submitters: PubMed 17576681 (cited by Labcorp Genetics (formerly Invitae), Labcorp); PubMed 9536098 (cited by Labcorp Genetics (formerly Invitae), Labcorp).

NM_004168.4(SDHA):c.312+4A>G

Gene: SDHA (succinate dehydrogenase complex flavoprotein subunit A; plus strand). Cytogenetic location: 5p15.33.
Variant type: single nucleotide variant.
Coding change: c.312+4A>G on transcript NM_004168.4 (MANE Select); 4 bases into the intron after coding-DNA position 312, A replaced by G.
Molecular consequence: intron variant.
Genome position (GRCh38, 1-based): chr5:224,525, A>G. VCF-style: chr5-224525-A-G. GRCh37 (hg19) VCF-style: chr5-224640-A-G.
Other names: c.312+4A>G (NM_001330758.2, NM_001294332.2, NM_004168.2).
Identifiers: ClinVar variation 4790972 (VCV004790972.2).